The following is an entry in ClinVar:

NM_023036.6(DNAI2):c.740G>A (p.Arg247Gln)

Gene: DNAI2 (dynein axonemal intermediate chain 2; plus strand). Cytogenetic location: 17q25.1.
Variant type: single nucleotide variant.
Coding change: c.740G>A on transcript NM_023036.6 (MANE Select); coding-DNA position 740, G replaced by A.
Protein change: p.Arg247Gln; replaces arginine 247 with glutamine.
Molecular consequence: missense variant. On other transcripts: non-coding transcript variant (1).
Genome position (GRCh38, 1-based): chr17:74,299,733, G>A. VCF-style: chr17-74299733-G-A. GRCh37 (hg19) VCF-style: chr17-72295872-G-A.
Other names: c.740G>A (NM_023036.5); c.740G>A, p.Arg247Gln (NM_001172810.3, NM_001353167.2); short protein forms R247Q.
Identifiers: ClinVar variation 1312393 (VCV001312393.12), dbSNP rs755060592, ClinGen allele CA8745481.

ClinVar aggregate classification (germline): Pathogenic/Likely pathogenic. Review status: criteria provided, multiple submitters, no conflicts (2 of 4 stars). 6 submissions from 6 submitters: Pathogenic (3); Likely pathogenic (2). 1 of the submissions does not count toward it. Last evaluated 2025-12-04.

Conditions:
Primary ciliary dyskinesia. Also called: Ciliary dyskinesia. Identifiers: Orphanet 244, MedGen C0008780, MONDO:0016575, HP:0012265.
Primary ciliary dyskinesia 9. Also called: CILIARY DYSKINESIA, PRIMARY, 9, WITH OR WITHOUT SITUS INVERSUS. Identifiers: Orphanet 244, MedGen C2676235, MONDO:0012906, OMIM 612444.

Allele frequency attached by ClinVar (database versions not stated): gnomAD 0.00001; gnomAD exomes 0.00001 and 0.00002; TOPMed 0.00001; ExAC 0.00002.
gnomAD v4.1: 20 of 1,613,298 alleles (0.0012%); highest among the groups gnomAD compares: Admixed American, 0.0033%; no homozygotes.

Submissions (6):

3billion
Classification: Pathogenic for Primary ciliary dyskinesia 9. Last evaluated: 2025-12-04. Review status: criteria provided, single submitter. Criteria: ACMG Guidelines, 2015. Collection method: clinical testing. Allele origin: germline. Affected: yes.
Comment: The variant is observed at an extremely low frequency in the gnomAD v4.1.0 dataset (total allele frequency: 0.001%). Predicted Consequence/Location: Missense variant. The majority of the known disease-causing variants of this gene are variants expected to result in premature termination of the protein. Functional studies provide moderate evidence of the variant having a damaging effect on the gene or gene product (PMID: 36303540). In silico tool predictions suggest damaging effect of the variant on gene or gene product [REVEL: 0.84 (>=0.6, sensitivity 0.68 and specificity 0.92); 3Cnet: 0.95 (> 0.75, sensitivity 0.96 and precision 0.92)]. The same nucleotide change resulting in the same amino acid change has been previously reported as pathogenic/likely pathogenic with strong evidence (ClinVar ID: VCV001312393 /3billion dataset). Therefore, this variant is classified as Pathogenic according to the recommendation of ACMG/AMP guideline.

Natera, Inc.
Classification: Likely pathogenic for Primary ciliary dyskinesia. Last evaluated: 2025-10-10. Review status: criteria provided, single submitter. Criteria: Natera Variant Classification Schema (03/2026). Collection method: clinical testing. Allele origin: germline.
Comment: The c.740G>A variant in DNAI2 is a missense variant predicted to cause substitution of arginine to glutamine at amino acid 247. This variant is rare in the general population with a frequency below the threshold expected for the associated phenotype(s). This variant has been observed in one or more individuals affected with the associated recessive disease, as either homozygous or compound heterozygous with a second variant (PMID: 36303540, 32253119). Additionally, this variant has been observed to segregate in affected family members (PMID: 36303540). Computational prediction algorithms indicate this variant is likely to affect gene or protein function. Given the available evidence, this variant is classified as Likely Pathogenic.

Labcorp Genetics (formerly Invitae), Labcorp
Classification: Pathogenic for Primary ciliary dyskinesia. Last evaluated: 2025-01-26. Review status: criteria provided, single submitter. Criteria: Invitae Variant Classification Sherloc (09022015). Collection method: clinical testing. Allele origin: germline.
Comment: This sequence change replaces arginine, which is basic and polar, with glutamine, which is neutral and polar, at codon 247 of the DNAI2 protein (p.Arg247Gln). This variant is present in population databases (rs755060592, gnomAD 0.009%). This missense change has been observed in individual(s) with primary ciliary dyskinesia (PMID: 32253119, 36303540; internal data). It has also been observed to segregate with disease in related individuals. ClinVar contains an entry for this variant (Variation ID: 1312393). Invitae Evidence Modeling of protein sequence and biophysical properties (such as structural, functional, and spatial information, amino acid conservation, physicochemical variation, residue mobility, and thermodynamic stability) indicates that this missense variant is expected to disrupt DNAI2 protein function with a positive predictive value of 95%. For these reasons, this variant has been classified as Pathogenic.

Genomic Medicine Center of Excellence, King Faisal Specialist Hospital and Research Centre
Classification: Pathogenic for Primary ciliary dyskinesia 9. Last evaluated: 2024-12-18. Review status: criteria provided, single submitter. Criteria: ACMG Guidelines, 2015. Collection method: clinical testing. Allele origin: germline.

Fulgent Genetics
Classification: Likely pathogenic for Primary ciliary dyskinesia 9. Last evaluated: 2024-01-30. Review status: criteria provided, single submitter. Criteria: ACMG Guidelines, 2015. Collection method: clinical testing. Allele origin: germline.

GeneDx
Classification: Uncertain significance. Last evaluated: 2019-09-20. Review status: flagged submission. Criteria: GeneDx Variant Classification Process June 2021. Collection method: clinical testing. Allele origin: germline. Affected: yes. Not counted in ClinVar's aggregate classification.
Comment: In silico analysis, which includes protein predictors and evolutionary conservation, supports a deleterious effect; Has not been previously published as pathogenic or benign to our knowledge
ClinVar note: Reason: Older and outlier claim with insufficient supporting evidence

Literature cited by the submitters: PubMed 36303540 (cited by 3 submitters); PubMed 32253119 (cited by Natera, Inc. and Labcorp Genetics (formerly Invitae), Labcorp).